The following is an entry in ClinVar:

ClinVar aggregate classification (germline): Uncertain significance. Review status: criteria provided, multiple submitters, no conflicts (2 of 4 stars). 2 submissions from 2 submitters: Uncertain significance (2). Last evaluated 2022-07-27.

Allele frequency attached by ClinVar (database versions not stated): TOPMed 0.00007; gnomAD 0.00010.
gnomAD v4.1: 141 of 1,613,092 alleles (0.0087%); highest among the groups gnomAD compares: Non-Finnish European, 0.011%; no homozygotes.

Submissions (2):

Labcorp Genetics (formerly Invitae), Labcorp
Classification: Uncertain significance. Last evaluated: 2022-07-27. Review status: criteria provided, single submitter. Criteria: Invitae Variant Classification Sherloc (09022015). Collection method: clinical testing. Allele origin: germline.
Comment: This sequence change replaces leucine, which is neutral and non-polar, with tryptophan, which is neutral and slightly polar, at codon 359 of the SLC7A13 protein (p.Leu359Trp). This variant is present in population databases (rs201235225, gnomAD 0.01%). This variant has not been reported in the literature in individuals affected with SLC7A13-related conditions. Algorithms developed to predict the effect of missense changes on protein structure and function are either unavailable or do not agree on the potential impact of this missense change (SIFT: "Deleterious"; PolyPhen-2: "Probably Damaging"; Align-GVGD: "Class C0"). In summary, the available evidence is currently insufficient to determine the role of this variant in disease. Therefore, it has been classified as a Variant of Uncertain Significance.

Ambry Genetics
Classification: Uncertain significance. Last evaluated: 2022-01-19. Review status: criteria provided, single submitter. Criteria: Ambry Variant Classification Scheme 2023. Collection method: clinical testing. Allele origin: germline.

NM_138817.3(SLC7A13):c.1076T>G (p.Leu359Trp)

Gene: SLC7A13 (solute carrier family 7 member 13; minus strand). Cytogenetic location: 8q21.3.
Variant type: single nucleotide variant.
Coding change: c.1076T>G on transcript NM_138817.3 (MANE Select); coding-DNA position 1076, T replaced by G.
Protein change: p.Leu359Trp; replaces leucine 359 with tryptophan.
Molecular consequence: missense variant.
Genome position (GRCh38, 1-based): chr8:86,217,573, A>C on the plus strand (T>G on the coding strand, the complement: SLC7A13 is on the minus strand). VCF-style: chr8-86217573-A-C. GRCh37 (hg19) VCF-style: chr8-87229802-A-C.
Other names: short protein forms L359W.
Identifiers: ClinVar variation 1983967 (VCV001983967.5), dbSNP rs201235225, ClinGen allele CA4797657.